The following is an entry in ClinVar:

ClinVar aggregate classification (germline): Uncertain significance (1 of 4 stars; one submission).

gnomAD v4.1: 2 of 1,611,974 alleles (0.00012%); highest among the groups gnomAD compares: Non-Finnish European, 0.00017%; no homozygotes.

Submission:

Labcorp Genetics (formerly Invitae), Labcorp
Classification: Uncertain significance. Last evaluated: 2022-07-12. Review status: criteria provided, single submitter. Criteria: Invitae Variant Classification Sherloc (09022015). Collection method: clinical testing. Allele origin: germline.
Comment: In summary, the available evidence is currently insufficient to determine the role of this variant in disease. Therefore, it has been classified as a Variant of Uncertain Significance. Algorithms developed to predict the effect of missense changes on protein structure and function are either unavailable or do not agree on the potential impact of this missense change (SIFT: "Deleterious"; PolyPhen-2: "Benign"; Align-GVGD: "Class C0"). ClinVar contains an entry for this variant (Variation ID: 1473708). This variant has not been reported in the literature in individuals affected with ADGRV1-related conditions. This variant is not present in population databases (gnomAD no frequency). This sequence change replaces isoleucine, which is neutral and non-polar, with threonine, which is neutral and polar, at codon 3644 of the ADGRV1 protein (p.Ile3644Thr).

NM_032119.4(ADGRV1):c.10931T>C (p.Ile3644Thr)

Gene: ADGRV1 (adhesion G protein-coupled receptor V1; plus strand). Cytogenetic location: 5q14.3.
Variant type: single nucleotide variant.
Coding change: c.10931T>C on transcript NM_032119.4 (MANE Select); coding-DNA position 10931, T replaced by C.
Protein change: p.Ile3644Thr; replaces isoleucine 3644 with threonine.
Molecular consequence: missense variant. On other transcripts: non-coding transcript variant (1).
Genome position (GRCh38, 1-based): chr5:90,745,752, T>C. VCF-style: chr5-90745752-T-C. GRCh37 (hg19) VCF-style: chr5-90041569-T-C.
Other names: short protein forms I3644T.
Identifiers: ClinVar variation 1473708 (VCV001473708.8), dbSNP rs2149917565, ClinGen allele CA360409538.